The following is an entry in ClinVar:

NM_001377.3(DYNC2H1):c.10327-169A>G

Gene: DYNC2H1 (dynein cytoplasmic 2 heavy chain 1; plus strand). Cytogenetic location: 11q22.3.
Variant type: single nucleotide variant.
Coding change: c.10327-169A>G on transcript NM_001377.3 (MANE Select); 169 bases into the intron before coding-DNA position 10327, A replaced by G.
Molecular consequence: intron variant.
Genome position (GRCh38, 1-based): chr11:103,255,937, A>G. VCF-style: chr11-103255937-A-G. GRCh37 (hg19) VCF-style: chr11-103126666-A-G.
Other names: c.10348-169A>G (NM_001080463.2).
Identifiers: ClinVar variation 667754 (VCV000667754.1), dbSNP rs600167, ClinGen allele CA227414751.
Genomic context (GRCh38, chr11:103,255,937, plus strand): 5'-CTATGTTTGATAATGATATAATTTCTTAAAATAATTTATGAATTCATTTGATATAAGAAG[A>G]CTATAATAAAAACAGAATAAAACTTTAAGAGGGCTATAAAATGTTGAAATTCTTCTAAAA-3'

ClinVar aggregate classification (germline): Benign (1 of 4 stars; one submission).

Allele frequency attached by ClinVar (database versions not stated): gnomAD 0.24490 and 0.24649; TOPMed 0.24550; 1000 Genomes Project 0.26018; 1000 Genomes Project 30x 0.26671.
gnomAD v4.1: 37,026 of 151,952 alleles (24%); highest among the groups gnomAD compares: African/African-American, 38%; 5,043 homozygotes.

Submission:

GeneDx
Classification: Benign. Last evaluated: 2018-06-14. Review status: criteria provided, single submitter. Criteria: GeneDx Variant Classification (06012015). Collection method: clinical testing. Allele origin: germline. Affected: yes.
Comment: This variant is considered likely benign or benign based on one or more of the following criteria: it is a conservative change, it occurs at a poorly conserved position in the protein, it is predicted to be benign by multiple in silico algorithms, and/or has population frequency not consistent with disease.